The following is an entry in ClinVar:

NM_019066.5(MAGEL2):c.2970C>G (p.Pro990=)

Gene: MAGEL2 (MAGE family member L2; minus strand). Cytogenetic location: 15q11.2.
Variant type: single nucleotide variant.
Coding change: c.2970C>G on transcript NM_019066.5 (MANE Select); coding-DNA position 2970, C replaced by G.
Protein change: p.Pro990=; no amino-acid change (proline 990 retained).
Molecular consequence: synonymous variant.
Genome position (GRCh38, 1-based): chr15:23,644,773, G>C on the plus strand (C>G on the coding strand, the complement: MAGEL2 is on the minus strand). VCF-style: chr15-23644773-G-C. GRCh37 (hg19) VCF-style: chr15-23889920-G-C.
Identifiers: ClinVar variation 4534594 (VCV004534594.6).

ClinVar aggregate classification (germline): Likely benign (1 of 4 stars; one submission).

Submission:

CeGaT Center for Human Genetics Tuebingen
Classification: Likely benign. Last evaluated: 2025-11-01. Review status: criteria provided, single submitter. Criteria: CeGaT Center For Human Genetics Tuebingen Variant Classification Criteria Version 2. Collection method: clinical testing. Allele origin: germline. Affected: yes. Observed: 1 variant allele.
Comment: MAGEL2: BP4, BP7